The following is an entry in ClinVar:

ClinVar aggregate classification (germline): Likely pathogenic, low penetrance (1 of 4 stars; one submission).

Conditions:
Atypical hemolytic-uremic syndrome. Identifiers: Orphanet 2134, MedGen C2931788, MONDO:0016244.

Submission:

Genomenon, Inc
Classification: Likely pathogenic, low penetrance for Atypical hemolytic-uremic syndrome. Last evaluated: 2025-10-02. Review status: criteria provided, single submitter. Criteria: Genomenon Sequence Variant Interpretation Standards - Updated. Collection method: curation. Allele origin: germline. Affected: yes.
Comment: CFH p.Cys673Tyr (c.2018G>A) is a missense variant that changes the amino acid at residue 673 from Cysteine to Tyrosine. This variant has been observed in at least one proband affected with atypical hemolytic-uremic syndrome (PMID:23307876;14978182;22223611). It is absent or not present at a significant frequency in gnomAD. In silico models agree that this variant is possibly or probably damaging. In conclusion, we classify CFH p.Cys673Tyr (c.2018G>A) as a likely pathogenic, low penetrance variant.

Literature cited by the submitters: PubMed 23307876; PubMed 14978182; PubMed 22223611; PubMed 25188723; PubMed 16968692; PubMed 16281287; PubMed 29686068; PubMed 18215115; PubMed 22170528; PubMed 24161037; PubMed 16189652; PubMed 20526633; PubMed 16893081; PubMed 20090363.

NM_000186.4(CFH):c.2018G>A (p.Cys673Tyr)

Gene: CFH (complement factor H; plus strand). Cytogenetic location: 1q31.3.
Variant type: single nucleotide variant.
Coding change: c.2018G>A on transcript NM_000186.4 (MANE Select); coding-DNA position 2018, G replaced by A.
Protein change: p.Cys673Tyr; replaces cysteine 673 with tyrosine.
Molecular consequence: missense variant.
Genome position (GRCh38, 1-based): chr1:196,726,614, G>A. VCF-style: chr1-196726614-G-A. GRCh37 (hg19) VCF-style: chr1-196695744-G-A.
Other names: short protein forms C673Y.
Identifiers: ClinVar variation 4291441 (VCV004291441.2).